The following is an entry in ClinVar:

ClinVar aggregate classification (germline): Conflicting classifications of pathogenicity. Review status: criteria provided, conflicting classifications (1 of 4 stars). 5 submissions from 5 submitters: Uncertain significance (3); Likely benign (2). Last evaluated 2026-04-07.

Conditions:
BRCA1-related disorder. Also called: BRCA1-related condition.
Hereditary cancer-predisposing syndrome. Also called: Neoplastic Syndromes, Hereditary; Tumor predisposition; Hereditary neoplastic syndrome; Hereditary Cancer Syndrome. Identifiers: Orphanet 140162, MedGen C0027672, MeSH D009386, MONDO:0015356.
Hereditary breast ovarian cancer syndrome. Also called: Hereditary breast and ovarian cancer syndrome (HBOC); Hereditary breast and ovarian cancer; Hereditary breast and ovarian cancer syndrome; Hereditary breast and/or ovarian cancer syndrome; BRCA1- and BRCA2-Associated Hereditary Breast and Ovarian Cancer; Breast and ovarian cancer. Identifiers: Orphanet 145, MedGen C0677776, MeSH D061325, MONDO:0003582. Disease mechanism: loss of function.

Allele frequency attached by ClinVar (database versions not stated): gnomAD exomes below 0.00001; TOPMed below 0.00001.
gnomAD v4.1: 4 of 1,614,070 alleles (0.00025%); highest among the groups gnomAD compares: African/African-American, 0.0053%; no homozygotes.

Submissions (5):

PreventionGenetics, part of Exact Sciences
Classification: Uncertain significance for BRCA1-related condition. Last evaluated: 2026-04-07. Review status: criteria provided, single submitter. Criteria: ACMG Guidelines, 2015. Collection method: clinical testing. Allele origin: germline.
Comment: The BRCA1 c.1409G>A variant is predicted to result in the amino acid substitution p.Ser470Asn. To our knowledge, this variant has not been reported in the literature or in a large population database (gnomAD), indicating this variant is rare. This variant occurs within a region of the BRCA1 gene that is predicted to be tolerant to missense variation (Table 2, Dines et al. 2020. PubMed ID: 31911673). This variant has conflicting interpretations regarding its pathogenicity in ClinVar, ranging from likely benign to uncertain (Variation ID: 627698). Although we suspect that this variant may be benign, at this time, the clinical significance of this variant is uncertain due to the absence of conclusive functional and genetic evidence.

Labcorp Genetics (formerly Invitae), Labcorp
Classification: Uncertain significance for Hereditary breast ovarian cancer syndrome. Last evaluated: 2025-05-17. Review status: criteria provided, single submitter. Criteria: Invitae Variant Classification Sherloc (09022015). Collection method: clinical testing. Allele origin: germline.
Comment: This sequence change replaces serine, which is neutral and polar, with asparagine, which is neutral and polar, at codon 470 of the BRCA1 protein (p.Ser470Asn). This variant is not present in population databases (gnomAD no frequency). This variant has not been reported in the literature in individuals affected with BRCA1-related conditions. ClinVar contains an entry for this variant (Variation ID: 627698). Invitae Evidence Modeling of protein sequence and biophysical properties (such as structural, functional, and spatial information, amino acid conservation, physicochemical variation, residue mobility, and thermodynamic stability) indicates that this missense variant is not expected to disrupt BRCA1 protein function with a negative predictive value of 80%. In summary, the available evidence is currently insufficient to determine the role of this variant in disease. Therefore, it has been classified as a Variant of Uncertain Significance.

Color Diagnostics, LLC DBA Color Health
Classification: Uncertain significance for Hereditary cancer-predisposing syndrome. Last evaluated: 2024-12-17. Review status: criteria provided, single submitter. Criteria: ACMG Guidelines, 2015. Collection method: clinical testing. Allele origin: germline.
Comment: This missense variant replaces serine with asparagine at codon 470 of the BRCA1 protein. Computational prediction suggests that this variant may not impact protein structure and function. To our knowledge, functional studies have not been reported for this variant. This variant has not been reported in individuals affected with BRCA1-related disorders in the literature. This variant has not been identified in the general population by the Genome Aggregation Database (gnomAD). The available evidence is insufficient to determine the role of this variant in disease conclusively. Therefore, this variant is classified as a Variant of Uncertain Significance.

University of Washington Department of Laboratory Medicine, University of Washington
Classification: Likely benign for Hereditary cancer-predisposing syndrome. Last evaluated: 2023-03-23. Review status: criteria provided, single submitter. Criteria: Dines et al. (Genet Med. 2020). Collection method: curation. Allele origin: germline.
Comment: Missense variant in a coldspot region where missense variants are very unlikely to be pathogenic (PMID:31911673).

BRCA1 coldspot (exon 11 using historical exon numbering). Reclassification based on statistical prior probability

Ambry Genetics
Classification: Likely benign for Hereditary cancer-predisposing syndrome. Last evaluated: 2020-02-28. Review status: criteria provided, single submitter. Criteria: Ambry Variant Classification Scheme 2023. Collection method: clinical testing. Allele origin: germline.

NM_007294.4(BRCA1):c.1409G>A (p.Ser470Asn)

Gene: BRCA1 (BRCA1 DNA repair associated; minus strand). Cytogenetic location: 17q21.31.
Variant type: single nucleotide variant.
Coding change: c.1409G>A on transcript NM_007294.4 (MANE Select); coding-DNA position 1409, G replaced by A.
Protein change: p.Ser470Asn; replaces serine 470 with asparagine.
Molecular consequence: missense variant. On other transcripts: intron variant (137).
Genome position (GRCh38, 1-based): chr17:43,094,122, C>T on the plus strand (G>A on the coding strand, the complement: BRCA1 is on the minus strand). VCF-style: chr17-43094122-C-T. GRCh37 (hg19) VCF-style: chr17-41246139-C-T.
Other names: c.1409G>A, p.Ser470Asn (NM_001407593.1, NM_001407594.1, NM_001407596.1 and 30 more transcripts); c.1406G>A, p.Ser469Asn (NM_001407610.1, NM_001407627.1, NM_001407628.1 and 22 more transcripts); c.1400G>A, p.Ser467Asn (NM_001407646.1, NM_001407647.1); c.1286G>A, p.Ser429Asn (NM_001407648.1, NM_001407664.1, NM_001407665.1 and 19 more transcripts); c.1283G>A, p.Ser428Asn (NM_001407649.1, NM_001407670.1, NM_001407685.1 and 11 more transcripts); c.1328G>A, p.Ser443Asn (NM_001407662.1, NM_001407659.1, NM_001407660.1 and 1 more transcripts); c.1331G>A, p.Ser444Asn (NM_001407663.1, NM_001407653.1, NM_001407654.1 and 4 more transcripts); c.1268G>A, p.Ser423Asn (NM_001407726.1, NM_001407727.1, NM_001407728.1 and 29 more transcripts); and 40 more; short protein forms S470N, S423N, S174N, S342N, S358N, S422N, S399N, S302N.
Identifiers: ClinVar variation 627698 (VCV000627698.20), dbSNP rs1567799713, ClinGen allele CA10599231.